The following is an entry in ClinVar:

ClinVar aggregate classification (germline): Likely benign. Review status: criteria provided, multiple submitters, no conflicts (2 of 4 stars). 4 submissions from 4 submitters: Likely benign (3). 1 of the submissions does not count toward it. Last evaluated 2026-01-11.

Conditions:
SCN1B-related disorder. Also called: SCN1B-Related Disorders; SCN1B-related condition.
Cardiovascular phenotype. Identifiers: MedGen CN230736.
Brugada syndrome 5 (BRGDA5). Identifiers: Orphanet 130, Orphanet 871, MedGen C2748541, MONDO:0013015, OMIM 612838.

Allele frequency attached by ClinVar (database versions not stated): TOPMed 0.00006; gnomAD exomes 0.00014; ExAC 0.00012.

Submissions (4):

Labcorp Genetics (formerly Invitae), Labcorp
Classification: Likely benign for Brugada syndrome 5. Last evaluated: 2026-01-11. Review status: criteria provided, single submitter. Criteria: Invitae Variant Classification Sherloc (09022015). Collection method: clinical testing. Allele origin: germline.

GeneDx
Classification: Likely benign. Last evaluated: 2017-07-14. Review status: criteria provided, single submitter. Criteria: GeneDx Variant Classification (06012015). Collection method: clinical testing. Allele origin: germline. Affected: yes.
Comment: This variant is considered likely benign or benign based on one or more of the following criteria: it is a conservative change, it occurs at a poorly conserved position in the protein, it is predicted to be benign by multiple in silico algorithms, and/or has population frequency not consistent with disease.

Ambry Genetics
Classification: Likely benign for Cardiovascular phenotype. Last evaluated: 2017-06-12. Review status: criteria provided, single submitter. Criteria: Ambry Variant Classification Scheme 2023. Collection method: clinical testing. Allele origin: germline.

PreventionGenetics, part of Exact Sciences
Classification: Likely benign for SCN1B-related condition. Last evaluated: 2019-02-21. Review status: no assertion criteria provided. Collection method: clinical testing. Allele origin: germline. Not counted in ClinVar's aggregate classification.
Comment: This variant is classified as likely benign based on ACMG/AMP sequence variant interpretation guidelines (Richards et al. 2015 PMID: 25741868, with internal and published modifications).

NM_001037.5(SCN1B):c.471C>T (p.Ile157=)

Gene: SCN1B (sodium voltage-gated channel beta subunit 1; plus strand). Cytogenetic location: 19q13.11.
Variant type: single nucleotide variant.
Coding change: c.471C>T on transcript NM_001037.5 (MANE Select); coding-DNA position 471, C replaced by T.
Protein change: p.Ile157=; no amino-acid change (isoleucine 157 retained).
Molecular consequence: synonymous variant.
Genome position (GRCh38, 1-based): chr19:35,039,139, C>T. VCF-style: chr19-35039139-C-T. GRCh37 (hg19) VCF-style: chr19-35530043-C-T.
Other names: c.372C>T, p.Ile124= (NM_001321605.2).
Identifiers: ClinVar variation 385979 (VCV000385979.15), dbSNP rs765269835, ClinGen allele CA9372077.